The following is an entry in ClinVar:

NM_020937.4(FANCM):c.1335T>G (p.Tyr445Ter)

Gene: FANCM (FA complementation group M; plus strand). Cytogenetic location: 14q21.2.
Variant type: single nucleotide variant.
Coding change: c.1335T>G on transcript NM_020937.4 (MANE Select); coding-DNA position 1335, T replaced by G.
Protein change: p.Tyr445Ter; replaces tyrosine 445 with a stop codon.
Molecular consequence: nonsense.
Genome position (GRCh38, 1-based): chr14:45,155,398, T>G. VCF-style: chr14-45155398-T-G. GRCh37 (hg19) VCF-style: chr14-45624601-T-G.
Other names: c.1257T>G, p.Tyr419Ter (NM_001308133.2); c.1335T>G, p.Tyr445Ter (NM_001308134.2); short protein forms Y445*, Y419*.
Identifiers: ClinVar variation 591107 (VCV000591107.5), dbSNP rs1270367757, ClinGen allele CA389592182.

ClinVar aggregate classification (germline): Pathogenic. Review status: criteria provided, single submitter (1 of 4 stars). 2 submissions from 2 submitters: Pathogenic (1). 1 of the submissions does not count toward it. Last evaluated 2022-05-20.

Conditions:
Fanconi anemia (FA). Also called: Fanconi's anemia. Identifiers: Orphanet 84, MedGen C0015625, MeSH D005199, MONDO:0019391.

Allele frequency attached by ClinVar (database versions not stated): gnomAD exomes below 0.00001; TOPMed 0.00001.
gnomAD v4.1: 2 of 1,437,404 alleles (0.00014%); highest among the groups gnomAD compares: Middle Eastern, 0.035%; no homozygotes.

Submissions (2):

Labcorp Genetics (formerly Invitae), Labcorp
Classification: Pathogenic for Fanconi anemia. Last evaluated: 2022-05-20. Review status: criteria provided, single submitter. Criteria: Invitae Variant Classification Sherloc (09022015). Collection method: clinical testing. Allele origin: germline.
Comment: ClinVar contains an entry for this variant (Variation ID: 591107). This variant has not been reported in the literature in individuals affected with FANCM-related conditions. This variant is not present in population databases (gnomAD no frequency). This sequence change creates a premature translational stop signal (p.Tyr445*) in the FANCM gene. It is expected to result in an absent or disrupted protein product. Loss-of-function variants in FANCM are known to be pathogenic (PMID: 29895858, 30075111). For these reasons, this variant has been classified as Pathogenic.

Gharavi Laboratory, Columbia University
Classification: Uncertain significance. Last evaluated: 2018-09-16. Review status: no assertion criteria provided. Criteria: ACMG Guidelines, 2015. Collection method: research. Allele origin: germline. Affected: yes. Not counted in ClinVar's aggregate classification.

Literature cited by the submitters: PubMed 29895858 (cited by Labcorp Genetics (formerly Invitae), Labcorp); PubMed 30075111 (cited by Labcorp Genetics (formerly Invitae), Labcorp).